The following is an entry in ClinVar:

ClinVar aggregate classification (germline): Pathogenic. Review status: criteria provided, multiple submitters, no conflicts (2 of 4 stars). 2 submissions from 2 submitters: Pathogenic (2). Last evaluated 2025-10-31.

Conditions:
Joubert syndrome 17 (JBTS17). Identifiers: Orphanet 475, MedGen C3553264, MONDO:0013824, OMIM 614615.
Orofaciodigital syndrome type 6 (OFD6). Also called: Oral-facial-digital syndrome type 6; Central polydactyly cleft lip/palate or lingual lump and psychomotor retardation; Y-shaped central metacarpal and cerebellar defect; Joubert syndrome with orofacialdigital anomalies; OROFACIODIGITAL SYNDROME VI; OFDS VI. Identifiers: Orphanet 2754, MedGen C2745997, MONDO:0010176, OMIM 277170.

Submissions (2):

Labcorp Genetics (formerly Invitae), Labcorp
Classification: Pathogenic. Last evaluated: 2025-10-31. Review status: criteria provided, single submitter. Criteria: Invitae Variant Classification Sherloc (09022015). Collection method: clinical testing. Allele origin: germline.
Comment: This sequence change creates a premature translational stop signal (p.Gln2468*) in the CPLANE1 gene. It is expected to result in an absent or disrupted protein product. Loss-of-function variants in CPLANE1 are known to be pathogenic (PMID: 24178751, 26092869). This variant is not present in population databases (gnomAD no frequency). This premature translational stop signal has been observed in individual(s) with Oral-facial-digital syndrome type VI (PMID: 24178751). ClinVar contains an entry for this variant (Variation ID: 1451420). For these reasons, this variant has been classified as Pathogenic.

Fulgent Genetics
Classification: Pathogenic for Orofaciodigital syndrome type 6; Joubert syndrome 17. Last evaluated: 2024-02-14. Review status: criteria provided, single submitter. Criteria: ACMG Guidelines, 2015. Collection method: clinical testing. Allele origin: germline.

Literature cited by the submitters: PubMed 24178751 (cited by Labcorp Genetics (formerly Invitae), Labcorp); PubMed 26092869 (cited by Labcorp Genetics (formerly Invitae), Labcorp).

NM_001384732.1(CPLANE1):c.7402C>T (p.Gln2468Ter)

Gene: CPLANE1 (ciliogenesis and planar polarity effector complex subunit 1; minus strand). Cytogenetic location: 5p13.2.
Variant type: single nucleotide variant.
Coding change: c.7402C>T on transcript NM_001384732.1 (MANE Select); coding-DNA position 7402, C replaced by T.
Protein change: p.Gln2468Ter; replaces glutamine 2468 with a stop codon.
Molecular consequence: nonsense.
Genome position (GRCh38, 1-based): chr5:37,165,670, G>A on the plus strand (C>T on the coding strand, the complement: CPLANE1 is on the minus strand). VCF-style: chr5-37165670-G-A. GRCh37 (hg19) VCF-style: chr5-37165772-G-A.
Other names: c.7402C>T, p.Gln2468Ter (NM_023073.4); c.7402C>T (NM_023073.3); short protein forms Q2468*.
Identifiers: ClinVar variation 1451420 (VCV001451420.7), dbSNP rs2150870227, ClinGen allele CA359476632.